The following is an entry in ClinVar:

NM_006017.3(PROM1):c.2129T>A (p.Leu710Ter)

Gene: PROM1 (prominin 1; minus strand). Cytogenetic location: 4p15.32.
Variant type: single nucleotide variant.
Coding change: c.2129T>A on transcript NM_006017.3 (MANE Select); coding-DNA position 2129, T replaced by A.
Protein change: p.Leu710Ter; replaces leucine 710 with a stop codon.
Molecular consequence: nonsense.
Genome position (GRCh38, 1-based): chr4:15,987,664, A>T on the plus strand (T>A on the coding strand, the complement: PROM1 is on the minus strand). VCF-style: chr4-15987664-A-T. GRCh37 (hg19) VCF-style: chr4-15989287-A-T.
Other names: c.2102T>A, p.Leu701Ter (NM_001145847.2, NM_001145848.2, NM_001145851.2 and 4 more transcripts); c.2129T>A, p.Leu710Ter (NM_001145849.2, NM_001145850.2); short protein forms L701*, L710*.
Identifiers: ClinVar variation 3649811 (VCV003649811.2).
Genomic context (GRCh38, chr4:15,987,664, plus strand): 5'-ATTCTTTGTGTGGTATTTTATAACAAAACCCCATGACAGAAAACAAAGTAAACCCTTACC[A>T]ACAATCCATTCCCTGTGCGTTGAAGTATCTTGACGCTTTGGTATAGAGTGCTCTGGCAAG-3'

ClinVar aggregate classification (germline): Pathogenic (1 of 4 stars; one submission).

Submission:

Labcorp Genetics (formerly Invitae), Labcorp
Classification: Pathogenic. Last evaluated: 2024-05-02. Review status: criteria provided, single submitter. Criteria: Invitae Variant Classification Sherloc (09022015). Collection method: clinical testing. Allele origin: germline.
Comment: This sequence change creates a premature translational stop signal (p.Leu710*) in the PROM1 gene. It is expected to result in an absent or disrupted protein product. Loss-of-function variants in PROM1 are known to be pathogenic (PMID: 17605048, 19718270, 24154662, 25474345). This variant is not present in population databases (gnomAD no frequency). This variant has not been reported in the literature in individuals affected with PROM1-related conditions. For these reasons, this variant has been classified as Pathogenic.

Literature cited by the submitters: PubMed 17605048; PubMed 19718270; PubMed 24154662; PubMed 25474345.